The following is an entry in ClinVar:

NM_000059.4(BRCA2):c.6556_6557del (p.Ser2186fs)

Gene: BRCA2 (BRCA2 DNA repair associated; plus strand). Cytogenetic location: 13q13.1.
Variant type: Deletion.
Coding change: c.6556_6557del on transcript NM_000059.4 (MANE Select); coding-DNA positions 6556 to 6557, 2 bases deleted (TC; older notation c.6556_6557delTC).
Protein change: p.Ser2186fs; shifts the reading frame from serine 2186.
Molecular consequence: frameshift variant. On other transcripts: non-coding transcript variant (1), intron variant (2).
Genome position (GRCh38, 1-based): chr13:32,340,911-32,340,912, TC deleted. VCF-style (leftmost placement, unchanged base first): chr13-32340910-TTC-T. GRCh37 (hg19) VCF-style: chr13-32915047-TTC-T.
Other names: c.6556_6557del, p.Ser2186fs (NM_001406719.1, NM_001406720.1, NM_001432077.1); c.1910-3647_1910-3646del (NM_001406721.1); c.425-3647_425-3646del (NM_001406722.1); short protein forms S2186fs.
Identifiers: ClinVar variation 3825412 (VCV003825412.1).

ClinVar aggregate classification (germline): Pathogenic (1 of 4 stars; one submission).

Conditions:
Hereditary cancer-predisposing syndrome. Also called: Hereditary neoplastic syndrome; Neoplastic Syndromes, Hereditary; Tumor predisposition; Hereditary Cancer Syndrome. Identifiers: Orphanet 140162, MedGen C0027672, MeSH D009386, MONDO:0015356.

Submission:

Ambry Genetics
Classification: Pathogenic for Hereditary cancer-predisposing syndrome. Last evaluated: 2025-01-14. Review status: criteria provided, single submitter. Criteria: Ambry Variant Classification Scheme 2023. Collection method: clinical testing. Allele origin: germline.
Comment: The c.6556_6557delTC pathogenic mutation, located in coding exon 10 of the BRCA2 gene, results from a deletion of two nucleotides at nucleotide positions 6556 to 6557, causing a translational frameshift with a predicted alternate stop codon (p.S2186Tfs*2). This alteration is expected to result in loss of function by premature protein truncation or nonsense-mediated mRNA decay. As such, this alteration is interpreted as a disease-causing mutation.